The following is an entry in ClinVar:

NM_001136472.2(LITAF):c.100C>A (p.Pro34Thr)

Gene: LITAF (lipopolysaccharide induced TNF factor; minus strand). Cytogenetic location: 16p13.13.
Variant type: single nucleotide variant.
Coding change: c.100C>A on transcript NM_001136472.2 (MANE Select); coding-DNA position 100, C replaced by A.
Protein change: p.Pro34Thr; replaces proline 34 with threonine.
Molecular consequence: missense variant. On other transcripts: non-coding transcript variant (1).
Genome position (GRCh38, 1-based): chr16:11,556,631, G>T on the plus strand (C>A on the coding strand, the complement: LITAF is on the minus strand). VCF-style: chr16-11556631-G-T. GRCh37 (hg19) VCF-style: chr16-11650487-G-T.
Other names: c.100C>A, p.Pro34Thr (NM_001136473.1, NM_004862.4); short protein forms P34T.
Identifiers: ClinVar variation 317787 (VCV000317787.18), dbSNP rs759905004, ClinGen allele CA7904185.

ClinVar aggregate classification (germline): Uncertain significance. Review status: criteria provided, multiple submitters, no conflicts (2 of 4 stars). 3 submissions from 3 submitters: Uncertain significance (3). Last evaluated 2024-02-29.

Conditions:
Charcot-Marie-Tooth disease type 1C. Also called: HMSN IC; CHARCOT-MARIE-TOOTH NEUROPATHY, TYPE 1C; NEUROPATHY, HEREDITARY MOTOR AND SENSORY, TYPE IC; CHARCOT-MARIE-TOOTH DISEASE, DEMYELINATING, TYPE 1C; CMT, SLOW NERVE CONDUCTION TYPE C; Charcot-Marie-Tooth disease, type IC. Identifiers: Orphanet 101083, MedGen C0270913, MONDO:0010995, OMIM 601098.

Allele frequency attached by ClinVar (database versions not stated): ExAC 0.00001; gnomAD exomes 0.00001 and 0.00002.
gnomAD v4.1: 12 of 1,614,190 alleles (0.00074%); highest among the groups gnomAD compares: Middle Eastern, 0.033%; 1 homozygote.

Submissions (3):

Labcorp Genetics (formerly Invitae), Labcorp
Classification: Uncertain significance for Charcot-Marie-Tooth disease type 1C. Last evaluated: 2024-02-29. Review status: criteria provided, single submitter. Criteria: Invitae Variant Classification Sherloc (09022015). Collection method: clinical testing. Allele origin: germline.
Comment: This sequence change replaces proline, which is neutral and non-polar, with threonine, which is neutral and polar, at codon 34 of the LITAF protein (p.Pro34Thr). This variant is present in population databases (rs759905004, gnomAD 0.004%), including at least one homozygous and/or hemizygous individual. This variant has not been reported in the literature in individuals affected with LITAF-related conditions. ClinVar contains an entry for this variant (Variation ID: 317787). An algorithm developed to predict the effect of missense changes on protein structure and function (PolyPhen-2) suggests that this variant is likely to be tolerated. In summary, the available evidence is currently insufficient to determine the role of this variant in disease. Therefore, it has been classified as a Variant of Uncertain Significance.

Illumina Laboratory Services, Illumina
Classification: Uncertain significance for Charcot-Marie-Tooth disease type 1C. Last evaluated: 2018-01-12. Review status: criteria provided, single submitter. Criteria: ICSL Variant Classification Criteria 13 December 2019. Collection method: clinical testing. Allele origin: germline.

ARUP Laboratories, Molecular Genetics and Genomics, ARUP Laboratories
Classification: Uncertain significance. Last evaluated: 2016-08-21. Review status: criteria provided, single submitter. Criteria: ARUP Molecular Germline Variant Investigation Process. Collection method: clinical testing. Allele origin: germline.